The following is an entry in ClinVar:

NM_001164508.2(NEB):c.10048G>A (p.Asp3350Asn)

Gene: NEB (nebulin; minus strand). Cytogenetic location: 2q23.3.
Variant type: single nucleotide variant.
Coding change: c.10048G>A on transcript NM_001164508.2 (MANE Select); coding-DNA position 10048, G replaced by A.
Protein change: p.Asp3350Asn; replaces aspartic acid 3350 with asparagine.
Molecular consequence: missense variant.
Genome position (GRCh38, 1-based): chr2:151,627,618, C>T on the plus strand (G>A on the coding strand, the complement: NEB is on the minus strand). VCF-style: chr2-151627618-C-T. GRCh37 (hg19) VCF-style: chr2-152484132-C-T.
Other names: c.10048G>A, p.Asp3350Asn (NM_001164507.2, NM_001271208.2); c.9319G>A, p.Asp3107Asn (NM_004543.5); short protein forms D3350N, D3107N.
Identifiers: ClinVar variation 1467162 (VCV001467162.5), dbSNP rs377180119, ClinGen allele CA1909135.

ClinVar aggregate classification (germline): Uncertain significance (1 of 4 stars; one submission).

Conditions:
Nemaline myopathy 2 (NEM2). Also called: Nemaline myopathy 2, autosomal recessive. Identifiers: MedGen C1850569, MONDO:0009725, OMIM 256030.

Allele frequency attached by ClinVar (database versions not stated): TOPMed 0.00003; ESP Exome Variant Server 0.00016.
gnomAD v4.1: 36 of 1,613,898 alleles (0.0022%); highest among the groups gnomAD compares: Non-Finnish European, 0.0027%; no homozygotes.

Submission:

Labcorp Genetics (formerly Invitae), Labcorp
Classification: Uncertain significance for Nemaline myopathy 2. Last evaluated: 2022-06-20. Review status: criteria provided, single submitter. Criteria: Invitae Variant Classification Sherloc (09022015). Collection method: clinical testing. Allele origin: germline.
Comment: This sequence change replaces aspartic acid, which is acidic and polar, with asparagine, which is neutral and polar, at codon 3350 of the NEB protein (p.Asp3350Asn). This variant is not present in population databases (gnomAD no frequency). This variant has not been reported in the literature in individuals affected with NEB-related conditions. Algorithms developed to predict the effect of missense changes on protein structure and function are either unavailable or do not agree on the potential impact of this missense change (SIFT: "Deleterious"; PolyPhen-2: "Not Available"; Align-GVGD: "Class C0"). In summary, the available evidence is currently insufficient to determine the role of this variant in disease. Therefore, it has been classified as a Variant of Uncertain Significance.